The following is an entry in ClinVar:

NM_002234.4(KCNA5):c.1644G>A (p.Leu548=)

Gene: KCNA5 (potassium voltage-gated channel subfamily A member 5; plus strand). Cytogenetic location: 12p13.32.
Variant type: single nucleotide variant.
Coding change: c.1644G>A on transcript NM_002234.4 (MANE Select); coding-DNA position 1644, G replaced by A.
Protein change: p.Leu548=; no amino-acid change (leucine 548 retained).
Molecular consequence: synonymous variant.
Genome position (GRCh38, 1-based): chr12:5,045,791, G>A. VCF-style: chr12-5045791-G-A. GRCh37 (hg19) VCF-style: chr12-5154957-G-A.
Identifiers: ClinVar variation 4797122 (VCV004797122.1).

ClinVar aggregate classification (germline): Uncertain significance (1 of 4 stars; one submission).

Conditions:
Atrial fibrillation, familial, 7 (ATFB7). Identifiers: MedGen C2677106, MONDO:0012828, OMIM 612240.

Submission:

Labcorp Genetics (formerly Invitae), Labcorp
Classification: Uncertain significance for Atrial fibrillation, familial, 7. Last evaluated: 2025-08-17. Review status: criteria provided, single submitter. Criteria: Invitae Variant Classification Sherloc (09022015). Collection method: clinical testing. Allele origin: germline.
Comment: This sequence change affects codon 548 of the KCNA5 mRNA. It is a 'silent' change, meaning that it does not change the encoded amino acid sequence of the KCNA5 protein. This variant is not present in population databases (gnomAD no frequency). This variant has not been reported in the literature in individuals affected with KCNA5-related conditions. In summary, the available evidence is currently insufficient to determine the role of this variant in disease. Therefore, it has been classified as a Variant of Uncertain Significance.